The following is an entry in ClinVar:

NM_002474.3(MYH11):c.4889A>G (p.Glu1630Gly)

Genes: MYH11 (myosin heavy chain 11; minus strand), NDE1 (nudE neurodevelopment protein 1; plus strand). Cytogenetic location: 16p13.11.
Variant type: single nucleotide variant.
Coding change: c.4889A>G on transcript NM_002474.3 (MANE Select); coding-DNA position 4889, A replaced by G.
Protein change: p.Glu1630Gly; replaces glutamic acid 1630 with glycine.
Molecular consequence: missense variant. On other transcripts: intron variant (2).
Genome position (GRCh38, 1-based): chr16:15,720,215, T>C on the plus strand (A>G on the coding strand, the complement: MYH11 is on the minus strand). VCF-style: chr16-15720215-T-C. GRCh37 (hg19) VCF-style: chr16-15814072-T-C.
Other names: c.4910A>G, p.Glu1637Gly (NM_001040113.2, NM_001040114.2); c.4889A>G, p.Glu1630Gly (NM_022844.3); c.948-3976T>C (NM_001143979.2, NM_017668.3); short protein forms E1630G, E1637G.
Identifiers: ClinVar variation 4813910 (VCV004813910.1).

ClinVar aggregate classification (germline): Uncertain significance (1 of 4 stars; one submission).

gnomAD v4.1: 1 of 1,614,000 alleles (0.000062%); highest among the groups gnomAD compares: Non-Finnish European, 0.000085%; no homozygotes.

Submission:

GeneDx
Classification: Uncertain significance. Last evaluated: 2025-09-23. Review status: criteria provided, single submitter. Criteria: GeneDx Variant Classification Process June 2021. Collection method: clinical testing. Allele origin: germline. Affected: yes.
Comment: In silico analysis supports that this missense variant has a deleterious effect on protein structure/function; Has not been previously published as pathogenic or benign to our knowledge; This variant is associated with the following publications: (PMID: 21529752)